The following is an entry in ClinVar:

ClinVar aggregate classification (germline): Pathogenic (1 of 4 stars; one submission).

Conditions:
Rare genetic deafness. Identifiers: Orphanet 96210, MedGen C5680250.

Allele frequency attached by ClinVar (database versions not stated): gnomAD exomes 0.00001; ExAC 0.00002; ESP Exome Variant Server 0.00008.
gnomAD v4.1: 17 of 1,602,858 alleles (0.0011%); highest among the groups gnomAD compares: Non-Finnish European, 0.0014%; no homozygotes.

Submission:

Laboratory for Molecular Medicine, Mass General Brigham Personalized Medicine
Classification: Pathogenic for Rare genetic deafness. Last evaluated: 2014-06-03. Review status: criteria provided, single submitter. Criteria: LMM Criteria. Collection method: clinical testing. Allele origin: germline. Inheritance: Autosomal recessive inheritance. Observed: 2 variant alleles.
Comment: The 2991+2T>G variant in OTOF has not been previously reported in individuals wi th hearing loss, but has been identified in 0.01% (1/8590) of European American chromosomes by the NHLBI Exome Sequencing Project (EVS/; dbSNP rs370132645). Although this variant has been seen in the general pop ulation, its frequency is low enough to be consistent with a recessive carrier f requency. This variant occurs in the invariant region (+/- 1/2) of the splice co nsensus sequence and is predicted to cause altered splicing leading to an abnorm al or absent protein. In summary, this variant meets our criteria to be classifi ed as pathogenic.

NM_194248.3(OTOF):c.2991+2T>G

Gene: OTOF (otoferlin; minus strand). Cytogenetic location: 2p23.3.
Variant type: single nucleotide variant.
Coding change: c.2991+2T>G on transcript NM_194248.3 (MANE Select); the canonical splice donor site of the intron after coding-DNA position 2991, T replaced by G.
Molecular consequence: splice donor variant.
Genome position (GRCh38, 1-based): chr2:26,475,912, A>C on the plus strand (T>G on the coding strand, the complement: OTOF is on the minus strand). VCF-style: chr2-26475912-A-C. GRCh37 (hg19) VCF-style: chr2-26698780-A-C.
Other names: c.2991+2T>G (NM_001287489.2); c.750+2T>G (NM_194323.3, NM_004802.4); c.921+2T>G (NM_194322.3).
Identifiers: ClinVar variation 178509 (VCV000178509.5), dbSNP rs370132645, ClinGen allele CA273547.
Genomic context (GRCh38, chr2:26,475,912, plus strand): 5'-ACAGGCTCACAGGCTTCTGGTGCTCTCAAAGCCAGAGCCACTCCCTCCTCCCAGGCCCTC[A>C]CCTCTGTGCACTGACTCTGATTGATGAAGAAGACGCGGGCAAAGGGGTCTGAGAGTCCGC-3'